The following is an entry in ClinVar:

ClinVar aggregate classification (germline): Uncertain significance (1 of 4 stars; one submission).

gnomAD v4.1: 4 of 1,613,306 alleles (0.00025%); highest among the groups gnomAD compares: Non-Finnish European, 0.00017%; no homozygotes.

Submission:

Labcorp Genetics (formerly Invitae), Labcorp
Classification: Uncertain significance. Last evaluated: 2024-06-01. Review status: criteria provided, single submitter. Criteria: Invitae Variant Classification Sherloc (09022015). Collection method: clinical testing. Allele origin: germline.
Comment: This sequence change replaces proline, which is neutral and non-polar, with leucine, which is neutral and non-polar, at codon 982 of the FBN3 protein (p.Pro982Leu). This variant is present in population databases (no rsID available, gnomAD 0.004%). This variant has not been reported in the literature in individuals affected with FBN3-related conditions. Advanced modeling of protein sequence and biophysical properties (such as structural, functional, and spatial information, amino acid conservation, physicochemical variation, residue mobility, and thermodynamic stability) performed at Invitae indicates that this missense variant is not expected to disrupt FBN3 protein function with a negative predictive value of 80%. In summary, the available evidence is currently insufficient to determine the role of this variant in disease. Therefore, it has been classified as a Variant of Uncertain Significance.

NM_032447.5(FBN3):c.2945C>T (p.Pro982Leu)

Gene: FBN3 (fibrillin 3; minus strand). Cytogenetic location: 19p13.2.
Variant type: single nucleotide variant.
Coding change: c.2945C>T on transcript NM_032447.5 (MANE Select); coding-DNA position 2945, C replaced by T.
Protein change: p.Pro982Leu; replaces proline 982 with leucine.
Molecular consequence: missense variant.
Genome position (GRCh38, 1-based): chr19:8,123,795, G>A on the plus strand (C>T on the coding strand, the complement: FBN3 is on the minus strand). VCF-style: chr19-8123795-G-A. GRCh37 (hg19) VCF-style: chr19-8188679-G-A.
Other names: c.2945C>T, p.Pro982Leu (NM_001321431.2); short protein forms P982L.
Identifiers: ClinVar variation 3715619 (VCV003715619.2).